The following is an entry in ClinVar:

NM_000038.6(APC):c.7915G>T (p.Glu2639Ter)

Gene: APC (APC regulator of Wnt signaling pathway; plus strand). Cytogenetic location: 5q22.2.
Variant type: single nucleotide variant.
Coding change: c.7915G>T on transcript NM_000038.6 (MANE Select); coding-DNA position 7915, G replaced by T.
Protein change: p.Glu2639Ter; replaces glutamic acid 2639 with a stop codon.
Molecular consequence: nonsense. On other transcripts: non-coding transcript variant (2).
Genome position (GRCh38, 1-based): chr5:112,843,509, G>T. VCF-style: chr5-112843509-G-T. GRCh37 (hg19) VCF-style: chr5-112179206-G-T.
Other names: c.7915G>T, p.Glu2639Ter (NM_001127510.3, NM_001354895.2, NM_001407450.1); c.7861G>T, p.Glu2621Ter (NM_001127511.3); c.7969G>T, p.Glu2657Ter (NM_001354896.2, NM_001407447.1, NM_001407448.1 and 1 more transcripts); c.7945G>T, p.Glu2649Ter (NM_001354897.2); c.7840G>T, p.Glu2614Ter (NM_001354898.2); c.7831G>T, p.Glu2611Ter (NM_001354899.2); c.7792G>T, p.Glu2598Ter (NM_001354900.2); c.7738G>T, p.Glu2580Ter (NM_001354901.2, NM_001407453.1); and 12 more; short protein forms E2614*, E2629*, E2649*, E2538*, E2548*, E2598*, E2621*, E2632*.
Identifiers: ClinVar variation 3655971 (VCV003655971.4).

ClinVar aggregate classification (germline): Pathogenic. Review status: criteria provided, multiple submitters, no conflicts (2 of 4 stars). 3 submissions from 3 submitters: Pathogenic (3). Last evaluated 2025-04-22.

Conditions:
Hereditary cancer-predisposing syndrome. Also called: Hereditary Cancer Syndrome; Neoplastic Syndromes, Hereditary; Hereditary neoplastic syndrome; Tumor predisposition. Identifiers: Orphanet 140162, MedGen C0027672, MeSH D009386, MONDO:0015356.
Classic or attenuated familial adenomatous polyposis. Identifiers: MedGen CN372698, MONDO:0021057.
Familial adenomatous polyposis 1 (FAP1). Also called: FAMILIAL ADENOMATOUS POLYPOSIS 1, ATTENUATED; POLYPOSIS, ADENOMATOUS INTESTINAL. Identifiers: MedGen C2713442, MONDO:0021056, OMIM 175100. Disease mechanism: loss of function.

Submissions (3):

Ambry Genetics
Classification: Pathogenic for Hereditary cancer-predisposing syndrome. Last evaluated: 2025-04-22. Review status: criteria provided, single submitter. Criteria: Ambry Variant Classification Scheme 2023. Collection method: clinical testing. Allele origin: germline.
Comment: The p.E2639* pathogenic mutation (also known as c.7915G>T), located in coding exon 15 of the APC gene, results from a G to T substitution at nucleotide position 7915. This changes the amino acid from a glutamic acid to a stop codon within coding exon 15. This alteration occurs at the 3' terminus of theAPC gene, is not expected to trigger nonsense-mediated mRNA decay, and impacts the last 7% of the protein. However, premature stop codons are typically deleterious in nature and a significant portion of the protein is affected (Ambry internal data). This variant was reported in individual(s) with features consistent with APC-related familial adenomatous polyposis (Ambry internal data). This variant is considered to be rare based on population cohorts in the Genome Aggregation Database (gnomAD). Based on the supporting evidence, this variant is interpreted as a disease-causing mutation.

Labcorp Genetics (formerly Invitae), Labcorp
Classification: Pathogenic for Familial adenomatous polyposis 1. Last evaluated: 2024-06-09. Review status: criteria provided, single submitter. Criteria: Invitae Variant Classification Sherloc (09022015). Collection method: clinical testing. Allele origin: germline.
Comment: This sequence change creates a premature translational stop signal (p.Glu2639*) in the APC gene. While this is not anticipated to result in nonsense mediated decay, it is expected to disrupt the last 205 amino acid(s) of the APC protein. This variant is not present in population databases (gnomAD no frequency). This variant has not been reported in the literature in individuals affected with APC-related conditions. This variant is expected to disrupt the EB1 and HDLG binding sites, which mediate interactions with the cytoskeleton (PMID: 15311282, 17293347). While functional studies have not been performed to directly test the effect on APC protein function, this suggests that disruption of the C-terminal portion of the protein is functionally important. A different truncation (p.Tyr2645Lysfs*14) that lies downstream of this variant has been determined to be pathogenic (PMID: 9824584, 1316610, 27081525, 8381579, 22135120, Invitae). This suggests that deletion of this region of the APC protein is causative of disease. For these reasons, this variant has been classified as Pathogenic.

Department of Pathology and Laboratory Medicine, Sinai Health System
Classification: Pathogenic for classic or attenuated familial adenomatous polyposis. Last evaluated: 2020-03-12. Review status: criteria provided, single submitter. Criteria: ACMG Guidelines, 2015. Collection method: clinical testing. Allele origin: germline.

Literature cited by the submitters: PubMed 15311282 (cited by Labcorp Genetics (formerly Invitae), Labcorp); PubMed 17293347 (cited by Labcorp Genetics (formerly Invitae), Labcorp); PubMed 9824584 (cited by Labcorp Genetics (formerly Invitae), Labcorp); PubMed 1316610 (cited by Labcorp Genetics (formerly Invitae), Labcorp); PubMed 27081525 (cited by Labcorp Genetics (formerly Invitae), Labcorp); PubMed 8381579 (cited by Labcorp Genetics (formerly Invitae), Labcorp); PubMed 22135120 (cited by Labcorp Genetics (formerly Invitae), Labcorp).